The following is an entry in ClinVar:

ClinVar aggregate classification (germline): Benign/Likely benign. Review status: criteria provided, multiple submitters, no conflicts (2 of 4 stars). 2 submissions from 2 submitters: Benign (1); Likely benign (1). Last evaluated 2026-09-29.

Conditions:
Cardiovascular phenotype. Identifiers: MedGen CN230736.
Hereditary cancer-predisposing syndrome. Also called: Hereditary neoplastic syndrome; Neoplastic Syndromes, Hereditary; Tumor predisposition; Hereditary Cancer Syndrome. Identifiers: Orphanet 140162, MedGen C0027672, MeSH D009386, MONDO:0015356.
Neurofibromatosis, type 1 (NF1). Also called: VON RECKLINGHAUSEN DISEASE; Peripheral type neurofibromatosis; NEUROFIBROMATOSIS, TYPE I, SOMATIC; Neurofibromatosis, type I. Identifiers: Orphanet 636, MedGen C0027831, MONDO:0018975, OMIM 162200. Disease mechanism: loss of function.

Submissions (2):

Myriad Genetics, Inc.
Classification: Benign for Neurofibromatosis, type 1. Last evaluated: 2026-09-29. Review status: criteria provided, single submitter. Criteria: Myriad Autosomal Dominant, Autosomal Recessive and X-Linked Classification Criteria (2023). Collection method: clinical testing. Allele origin: unknown.
Comment: This variant is considered benign. This variant is a silent/synonymous amino acid change and it is not expected to impact splicing.

Ambry Genetics
Classification: Likely benign for Cardiovascular phenotype; Hereditary cancer-predisposing syndrome. Last evaluated: 2020-06-14. Review status: criteria provided, single submitter. Criteria: Ambry Variant Classification Scheme 2023. Collection method: clinical testing. Allele origin: germline.

NM_001042492.3(NF1):c.465T>C (p.Ser155=)

Gene: NF1 (neurofibromin 1; plus strand). Cytogenetic location: 17q11.2.
Variant type: single nucleotide variant.
Coding change: c.465T>C on transcript NM_001042492.3 (MANE Select); coding-DNA position 465, T replaced by C.
Protein change: p.Ser155=; no amino-acid change (serine 155 retained).
Molecular consequence: synonymous variant.
Genome position (GRCh38, 1-based): chr17:31,163,362, T>C. VCF-style: chr17-31163362-T-C. GRCh37 (hg19) VCF-style: chr17-29490380-T-C.
Other names: c.465T>C, p.Ser155= (NM_000267.4, NM_001128147.3).
Identifiers: ClinVar variation 1742251 (VCV001742251.3), dbSNP rs2143673827, ClinGen allele CA499200557.
Genomic context (GRCh38, chr17:31,163,362, plus strand): 5'-GAATTCTGCCTCTGGGGTTTTATTTTCTCTCAGCTGCAACAACTTCAATGCAGTCTTTAG[T>C]CGCATTTCTACCAGGTTAGTGTGTAAATCCACATGGGACTACTGAAGTAATATGAATATT-3'
Protein context (NP_001035957.1, residues 145-165): LSCNNFNAVF[Ser155=]RISTRLQELT